The following is an entry in ClinVar:

ClinVar aggregate classification (germline): Uncertain significance. Review status: criteria provided, multiple submitters, no conflicts (2 of 4 stars). 2 submissions from 2 submitters: Uncertain significance (2). Last evaluated 2025-06-28.

Conditions:
Bohring-Opitz syndrome. Also called: C-LIKE SYNDROME; BOHRING SYNDROME; OPITZ TRIGONOCEPHALY-LIKE SYNDROME; ASXL1-Related Bohring-Opitz Syndrome. Identifiers: Orphanet 97297, MedGen C0796232, MONDO:0011510, OMIM 605039.
Inborn genetic diseases. Identifiers: MedGen C0950123, MeSH D030342.

Allele frequency attached by ClinVar (database versions not stated): gnomAD exomes below 0.00001.

Submissions (2):

Ambry Genetics
Classification: Uncertain significance for Inborn genetic diseases. Last evaluated: 2025-06-28. Review status: criteria provided, single submitter. Criteria: Ambry Variant Classification Scheme 2023. Collection method: clinical testing. Allele origin: germline.
Comment: The p.M1402V variant (also known as c.4204A>G), located in coding exon 13 of the ASXL1 gene, results from an A to G substitution at nucleotide position 4204. The methionine at codon 1402 is replaced by valine, an amino acid with highly similar properties. This amino acid position is conserved. In addition, this alteration is predicted to be tolerated by in silico analysis. Based on the available evidence, the clinical significance of this variant remains unclear.

Revvity Omics, Revvity
Classification: Uncertain significance for Bohring-Opitz syndrome. Last evaluated: 2020-11-02. Review status: criteria provided, single submitter. Criteria: ACMG Guidelines, 2015. Collection method: clinical testing. Allele origin: germline.

NM_015338.6(ASXL1):c.4204A>G (p.Met1402Val)

Gene: ASXL1 (ASXL transcriptional regulator 1; plus strand). Cytogenetic location: 20q11.21.
Variant type: single nucleotide variant.
Coding change: c.4204A>G on transcript NM_015338.6 (MANE Select); coding-DNA position 4204, A replaced by G.
Protein change: p.Met1402Val; replaces methionine 1402 with valine.
Molecular consequence: missense variant.
Genome position (GRCh38, 1-based): chr20:32,436,916, A>G. VCF-style: chr20-32436916-A-G. GRCh37 (hg19) VCF-style: chr20-31024719-A-G.
Other names: c.4021A>G, p.Met1341Val (NM_001363734.1); short protein forms M1341V, M1402V.
Identifiers: ClinVar variation 2439271 (VCV002439271.4), dbSNP rs1247685297, ClinGen allele CA408564656.
Genomic context (GRCh38, chr20:32,436,916, plus strand): 5'-GCCGAGAACAGGAAAGCTACTGGGCATAGTCCCCTGGAACTGGTGGGTCACTTGGAAGGG[A>G]TGCCCTTTGTCATGGACTTGCCCTTCTGGAAATTACCCCGAGAGCCAGGGAAGGGGCTCA-3'
Protein context (NP_056153.2, residues 1392-1412): PLELVGHLEG[Met1402Val]PFVMDLPFWK